The following is an entry in ClinVar:

NM_000143.4(FH):c.1068G>C (p.Leu356Phe)

Gene: FH (fumarate hydratase; minus strand). Cytogenetic location: 1q43.
Variant type: single nucleotide variant.
Coding change: c.1068G>C on transcript NM_000143.4 (MANE Select); coding-DNA position 1068, G replaced by C.
Protein change: p.Leu356Phe; replaces leucine 356 with phenylalanine.
Molecular consequence: missense variant.
Genome position (GRCh38, 1-based): chr1:241,504,082, C>G on the plus strand (G>C on the coding strand, the complement: FH is on the minus strand). VCF-style: chr1-241504082-C-G. GRCh37 (hg19) VCF-style: chr1-241667382-C-G.
Other names: short protein forms L356F.
Identifiers: ClinVar variation 4871326 (VCV004871326.1).
Genomic context (GRCh38, chr1:241,504,082, plus strand): 5'-TTTACTAGCTATGTGATTACCTGGCATGATACTGCTTCCTGGTTCATTTTCAGGCAAGAT[C>G]AATTCTCCCAGACCTGACCGAGGACCAGAACCCAAAAATCGAATATCATTTGCTATCTTC-3'
Protein context (NP_000134.2, residues 346-366): GSGPRSGLGE[Leu356Phe]ILPENEPGSS

ClinVar aggregate classification (germline): Uncertain significance (1 of 4 stars; one submission).

Conditions:
Hereditary cancer-predisposing syndrome. Also called: Neoplastic Syndromes, Hereditary; Hereditary Cancer Syndrome; Hereditary neoplastic syndrome; Tumor predisposition. Identifiers: Orphanet 140162, MedGen C0027672, MeSH D009386, MONDO:0015356.

Submission:

Ambry Genetics
Classification: Uncertain significance for Hereditary cancer-predisposing syndrome. Last evaluated: 2026-05-05. Review status: criteria provided, single submitter. Criteria: Ambry Variant Classification Scheme 2023. Collection method: clinical testing. Allele origin: germline.
Comment: The p.L356F variant (also known as c.1068G>C), located in coding exon 7 of the FH gene, results from a G to C substitution at nucleotide position 1068. The leucine at codon 356 is replaced by phenylalanine, an amino acid with highly similar properties. This amino acid position is highly conserved in available vertebrate species. In addition, this alteration is predicted to be deleterious by in silico analysis. Based on the available evidence, the clinical significance of this variant remains unclear.